The following is an entry in ClinVar:

NM_012338.4(TSPAN12):c.782T>C (p.Met261Thr)

Gene: TSPAN12 (tetraspanin 12; minus strand). Cytogenetic location: 7q31.31.
Variant type: single nucleotide variant.
Coding change: c.782T>C on transcript NM_012338.4 (MANE Select); coding-DNA position 782, T replaced by C.
Protein change: p.Met261Thr; replaces methionine 261 with threonine.
Molecular consequence: missense variant.
Genome position (GRCh38, 1-based): chr7:120,788,728, A>G on the plus strand (T>C on the coding strand, the complement: TSPAN12 is on the minus strand). VCF-style: chr7-120788728-A-G. GRCh37 (hg19) VCF-style: chr7-120428782-A-G.
Other names: c.782T>C (NM_012338.3); short protein forms M261T.
Identifiers: ClinVar variation 1002883 (VCV001002883.10), dbSNP rs143868420, ClinGen allele CA4453805.

ClinVar aggregate classification (germline): Uncertain significance. Review status: criteria provided, multiple submitters, no conflicts (2 of 4 stars). 3 submissions from 3 submitters: Uncertain significance (3). Last evaluated 2025-11-11.

Conditions:
TSPAN12-related disorder. Also called: TSPAN12-related condition.

Allele frequency attached by ClinVar (database versions not stated): ExAC 0.00002; gnomAD exomes 0.00003; gnomAD 0.00004 and 0.00006; TOPMed 0.00008; ESP Exome Variant Server 0.00023.

Submissions (3):

Labcorp Genetics (formerly Invitae), Labcorp
Classification: Uncertain significance. Last evaluated: 2025-11-11. Review status: criteria provided, single submitter. Criteria: Invitae Variant Classification Sherloc (09022015). Collection method: clinical testing. Allele origin: germline.
Comment: This sequence change replaces methionine, which is neutral and non-polar, with threonine, which is neutral and polar, at codon 261 of the TSPAN12 protein (p.Met261Thr). This variant is present in population databases (rs143868420, gnomAD 0.007%). This variant has not been reported in the literature in individuals affected with TSPAN12-related conditions. ClinVar contains an entry for this variant (Variation ID: 1002883). An algorithm developed to predict the effect of missense changes on protein structure and function outputs the following: PolyPhen-2: "Benign". The threonine amino acid residue is found in multiple mammalian species, which suggests that this missense change does not adversely affect protein function. In summary, the available evidence is currently insufficient to determine the role of this variant in disease. Therefore, it has been classified as a Variant of Uncertain Significance.

PreventionGenetics, part of Exact Sciences
Classification: Uncertain significance for TSPAN12-related condition. Last evaluated: 2025-03-11. Review status: criteria provided, single submitter. Criteria: ACMG Guidelines, 2015. Collection method: clinical testing. Allele origin: germline.
Comment: The TSPAN12 c.782T>C variant is predicted to result in the amino acid substitution p.Met261Thr. To our knowledge, this variant has not been reported in the literature. This variant is reported in 0.0062% of alleles in individuals of European (Non-Finnish) descent in gnomAD. At this time, the clinical significance of this variant is uncertain due to the absence of conclusive functional and genetic evidence.

Blueprint Genetics
Classification: Uncertain significance. Last evaluated: 2024-08-21. Review status: criteria provided, single submitter. Criteria: ACMG Guidelines, 2015. Collection method: clinical testing. Allele origin: germline.